The following is an entry in ClinVar:

NM_001572.5(IRF7):c.847G>A (p.Glu283Lys)

Gene: IRF7 (interferon regulatory factor 7; minus strand). Cytogenetic location: 11p15.5.
Variant type: single nucleotide variant.
Coding change: c.847G>A on transcript NM_001572.5 (MANE Select); coding-DNA position 847, G replaced by A.
Protein change: p.Glu283Lys; replaces glutamic acid 283 with lysine.
Molecular consequence: missense variant.
Genome position (GRCh38, 1-based): chr11:613,785, C>T on the plus strand (G>A on the coding strand, the complement: IRF7 is on the minus strand). VCF-style: chr11-613785-C-T. GRCh37 (hg19) VCF-style: chr11-613785-C-T.
Other names: c.760G>A, p.Glu254Lys (NM_004029.4); c.886G>A, p.Glu296Lys (NM_004031.4); short protein forms E254K, E283K, E296K.
Identifiers: ClinVar variation 834574 (VCV000834574.10), dbSNP rs769433665, ClinGen allele CA5783722.

ClinVar aggregate classification (germline): Uncertain significance. Review status: criteria provided, multiple submitters, no conflicts (2 of 4 stars). 2 submissions from 2 submitters: Uncertain significance (2). Last evaluated 2026-01-26.

Conditions:
Immunodeficiency 39 (IMD39). Identifiers: Orphanet 574918, MedGen C4225358, MONDO:0014597, OMIM 616345.

Allele frequency attached by ClinVar (database versions not stated): gnomAD 0.00001; ExAC 0.00002; TOPMed 0.00002.

Submissions (2):

Labcorp Genetics (formerly Invitae), Labcorp
Classification: Uncertain significance for Immunodeficiency 39. Last evaluated: 2026-01-26. Review status: criteria provided, single submitter. Criteria: Invitae Variant Classification Sherloc (09022015). Collection method: clinical testing. Allele origin: germline.
Comment: This sequence change replaces glutamic acid, which is acidic and polar, with lysine, which is basic and polar, at codon 296 of the IRF7 protein (p.Glu296Lys). This variant also falls at the last nucleotide of exon 6, which is part of the consensus splice site for this exon. This variant is not present in population databases (gnomAD no frequency). This variant has not been reported in the literature in individuals affected with IRF7-related conditions. ClinVar contains an entry for this variant (Variation ID: 834574). An algorithm developed to predict the effect of missense changes on protein structure and function (PolyPhen-2) suggests that this variant is likely to be disruptive. Variants that disrupt the consensus splice site are a relatively common cause of aberrant splicing (PMID: 17576681, 9536098). In summary, the available evidence is currently insufficient to determine the role of this variant in disease. Therefore, it has been classified as a Variant of Uncertain Significance.

Blueprint Genetics
Classification: Uncertain significance. Last evaluated: 2024-07-15. Review status: criteria provided, single submitter. Criteria: ACMG Guidelines, 2015. Collection method: clinical testing. Allele origin: germline.

Literature cited by the submitters: PubMed 17576681 (cited by Labcorp Genetics (formerly Invitae), Labcorp); PubMed 9536098 (cited by Labcorp Genetics (formerly Invitae), Labcorp).